The following is an entry in ClinVar:

ClinVar aggregate classification (germline): Uncertain significance (0 of 4 stars; one submission).

Conditions:
ADH7-related disorder. Also called: ADH7-related condition.

gnomAD v4.1: 20 of 1,613,800 alleles (0.0012%); highest among the groups gnomAD compares: South Asian, 0.0099%; no homozygotes.

Submission:

PreventionGenetics, part of Exact Sciences
Classification: Uncertain significance for ADH7-related condition. Last evaluated: 2024-08-20. Review status: no assertion criteria provided. Collection method: clinical testing. Allele origin: germline.
Comment: The ADH7 c.418C>T variant is predicted to result in the amino acid substitution p.Arg140Cys. To our knowledge, this variant has not been reported in the literature. This variant is reported in 0.020% of alleles in individuals of South Asian descent in gnomAD. At this time, the clinical significance of this variant is uncertain due to the absence of conclusive functional and genetic evidence.

NM_000673.7(ADH7):c.358C>T (p.Arg120Cys)

Gene: ADH7 (alcohol dehydrogenase 7 (class IV), mu or sigma polypeptide; minus strand). Cytogenetic location: 4q23.
Variant type: single nucleotide variant.
Coding change: c.358C>T on transcript NM_000673.7 (MANE Select); coding-DNA position 358, C replaced by T.
Protein change: p.Arg120Cys; replaces arginine 120 with cysteine.
Molecular consequence: missense variant.
Genome position (GRCh38, 1-based): chr4:99,427,979, G>A on the plus strand (C>T on the coding strand, the complement: ADH7 is on the minus strand). VCF-style: chr4-99427979-G-A. GRCh37 (hg19) VCF-style: chr4-100349136-G-A.
Other names: c.418C>T, p.Arg140Cys (NM_001166504.2); short protein forms R120C, R140C.
Identifiers: ClinVar variation 3356952 (VCV003356952.1).